The following is an entry in ClinVar:

ClinVar aggregate classification (germline): Uncertain significance. Review status: criteria provided, multiple submitters, no conflicts (2 of 4 stars). 3 submissions from 3 submitters: Uncertain significance (3). Last evaluated 2025-10-02.

Conditions:
CHARGE syndrome (CHARGE). Also called: Hittner Hirsch Kreh syndrome; CHARGE ASSOCIATION--COLOBOMA, HEART ANOMALY, CHOANAL ATRESIA, RETARDATION, GENITAL AND EAR ANOMALIES; Coloboma, heart anomaly, choanal atresia, retardation, genital and ear anomalies; CHARGE association; Hall-Hittner syndrome. Identifiers: Orphanet 138, MedGen C0265354, MONDO:0008965.
SEMA3E-related disorder. Also called: SEMA3E-related condition.

Submissions (3):

Labcorp Genetics (formerly Invitae), Labcorp
Classification: Uncertain significance for CHARGE syndrome. Last evaluated: 2025-10-02. Review status: criteria provided, single submitter. Criteria: Invitae Variant Classification Sherloc (09022015). Collection method: clinical testing. Allele origin: germline.
Comment: This sequence change replaces serine, which is neutral and polar, with cysteine, which is neutral and slightly polar, at codon 97 of the SEMA3E protein (p.Ser97Cys). This variant is not present in population databases (gnomAD no frequency). This variant has not been reported in the literature in individuals affected with SEMA3E-related conditions. ClinVar contains an entry for this variant (Variation ID: 1384522). Invitae Evidence Modeling of protein sequence and biophysical properties (such as structural, functional, and spatial information, amino acid conservation, physicochemical variation, residue mobility, and thermodynamic stability) indicates that this missense variant is expected to disrupt SEMA3E protein function with a positive predictive value of 80%. In summary, the available evidence is currently insufficient to determine the role of this variant in disease. Therefore, it has been classified as a Variant of Uncertain Significance.

PreventionGenetics, part of Exact Sciences
Classification: Uncertain significance for SEMA3E-related condition. Last evaluated: 2025-09-30. Review status: criteria provided, single submitter. Criteria: ACMG Guidelines, 2015. Collection method: clinical testing. Allele origin: germline.
Comment: The SEMA3E c.289A>T variant is predicted to result in the amino acid substitution p.Ser97Cys. To our knowledge, this variant has not been reported in the literature or in a large population database, indicating this variant is rare. At this time, the clinical significance of this variant is uncertain due to the absence of conclusive functional and genetic evidence.

Ambry Genetics
Classification: Uncertain significance. Last evaluated: 2025-07-08. Review status: criteria provided, single submitter. Criteria: Ambry Variant Classification Scheme 2023. Collection method: clinical testing. Allele origin: germline.

NM_012431.3(SEMA3E):c.289A>T (p.Ser97Cys)

Gene: SEMA3E (semaphorin 3E; minus strand). Cytogenetic location: 7q21.11.
Variant type: single nucleotide variant.
Coding change: c.289A>T on transcript NM_012431.3 (MANE Select); coding-DNA position 289, A replaced by T.
Protein change: p.Ser97Cys; replaces serine 97 with cysteine.
Molecular consequence: missense variant.
Genome position (GRCh38, 1-based): chr7:83,469,290, T>A on the plus strand (A>T on the coding strand, the complement: SEMA3E is on the minus strand). VCF-style: chr7-83469290-T-A. GRCh37 (hg19) VCF-style: chr7-83098606-T-A.
Other names: c.289A>T (NM_012431.2); c.109A>T, p.Ser37Cys (NM_001178129.2); short protein forms S37C, S97C.
Identifiers: ClinVar variation 1384522 (VCV001384522.10), dbSNP rs1445294085, ClinGen allele CA367936181.
Genomic context (GRCh38, chr7:83,469,290, plus strand): 5'-GAATCATACTTACCGCATCTTTTCCCTTCATTATGCATTCTTCCATTTTTAGAGCTGTAC[T>A]CGGCCAGTGTATCTAAAATAAAAGATAATGTACTATTATGACAACTGCATATAAAAATAA-3'
Protein context (NP_036563.1, residues 87-107): SDGYKEIHWP[Ser97Cys]TALKMEECIM